The following is an entry in ClinVar:

ClinVar aggregate classification (germline): Uncertain significance (1 of 4 stars; one submission).

Conditions:
Severe combined immunodeficiency due to DNA-PKcs deficiency. Also called: IMMUNODEFICIENCY 26 WITH NEUROLOGIC ABNORMALITIES; Immunodeficiency 26 with or without neurologic abnormalities. Identifiers: Orphanet 317425, MedGen C4014833, MONDO:0014423, OMIM 615966.

Submission:

Labcorp Genetics (formerly Invitae), Labcorp
Classification: Uncertain significance for Severe combined immunodeficiency due to DNA-PKcs deficiency. Last evaluated: 2024-12-12. Review status: criteria provided, single submitter. Criteria: Invitae Variant Classification Sherloc (09022015). Collection method: clinical testing. Allele origin: germline.
Comment: This sequence change replaces cysteine, which is neutral and slightly polar, with phenylalanine, which is neutral and non-polar, at codon 1904 of the PRKDC protein (p.Cys1904Phe). This variant is not present in population databases (gnomAD no frequency). This variant has not been reported in the literature in individuals affected with PRKDC-related conditions. Invitae Evidence Modeling of protein sequence and biophysical properties (such as structural, functional, and spatial information, amino acid conservation, physicochemical variation, residue mobility, and thermodynamic stability) has been performed for this missense variant. However, the output from this modeling did not meet the statistical confidence thresholds required to predict the impact of this variant on PRKDC protein function. In summary, the available evidence is currently insufficient to determine the role of this variant in disease. Therefore, it has been classified as a Variant of Uncertain Significance.

NM_006904.7(PRKDC):c.5711G>T (p.Cys1904Phe)

Gene: PRKDC (protein kinase, DNA-activated, catalytic subunit; minus strand). Cytogenetic location: 8q11.21.
Variant type: single nucleotide variant.
Coding change: c.5711G>T on transcript NM_006904.7 (MANE Select); coding-DNA position 5711, G replaced by T.
Protein change: p.Cys1904Phe; replaces cysteine 1904 with phenylalanine.
Molecular consequence: missense variant.
Genome position (GRCh38, 1-based): chr8:47,863,438, C>A on the plus strand (G>T on the coding strand, the complement: PRKDC is on the minus strand). VCF-style: chr8-47863438-C-A. GRCh37 (hg19) VCF-style: chr8-48775999-C-A.
Other names: c.5711G>T, p.Cys1904Phe (NM_001081640.2); short protein forms C1904F.
Identifiers: ClinVar variation 3706603 (VCV003706603.2).